The following is an entry in ClinVar:

NM_000059.4(BRCA2):c.1466C>T (p.Ser489Phe)

Gene: BRCA2 (BRCA2 DNA repair associated; plus strand). Cytogenetic location: 13q13.1.
Variant type: single nucleotide variant.
Coding change: c.1466C>T on transcript NM_000059.4 (MANE Select); coding-DNA position 1466, C replaced by T.
Protein change: p.Ser489Phe; replaces serine 489 with phenylalanine.
Molecular consequence: missense variant.
Genome position (GRCh38, 1-based): chr13:32,332,944, C>T. VCF-style: chr13-32332944-C-T. GRCh37 (hg19) VCF-style: chr13-32907081-C-T.
Other names: short protein forms S489F.
Identifiers: ClinVar variation 921377 (VCV000921377.16), dbSNP rs587782535, ClinGen allele CA387764384.

ClinVar aggregate classification (germline): Conflicting classifications of pathogenicity. Review status: criteria provided, conflicting classifications (1 of 4 stars). 6 submissions from 6 submitters: Uncertain significance (5); Likely benign (1). Last evaluated 2025-09-04.

Conditions:
Hereditary cancer-predisposing syndrome. Also called: Neoplastic Syndromes, Hereditary; Tumor predisposition; Hereditary Cancer Syndrome; Hereditary neoplastic syndrome. Identifiers: Orphanet 140162, MedGen C0027672, MeSH D009386, MONDO:0015356.
Hereditary breast ovarian cancer syndrome. Also called: BRCA1- and BRCA2-Associated Hereditary Breast and Ovarian Cancer; Hereditary breast and ovarian cancer syndrome; Hereditary breast and ovarian cancer; Hereditary breast and ovarian cancer syndrome (HBOC); Breast and ovarian cancer; Hereditary breast and/or ovarian cancer syndrome. Identifiers: Orphanet 145, MedGen C0677776, MeSH D061325, MONDO:0003582. Disease mechanism: loss of function.

gnomAD v4.1: 2 of 1,605,754 alleles (0.00012%); highest among the groups gnomAD compares: Admixed American, 0.0017%; no homozygotes.

Submissions (6):

Quest Diagnostics Nichols Institute San Juan Capistrano
Classification: Uncertain significance. Last evaluated: 2025-09-04. Review status: criteria provided, single submitter. Criteria: Quest Diagnostics criteria. Collection method: clinical testing. Allele origin: unknown.
Comment: The BRCA2 c.1466C>T (p.Ser489Phe) variant has been reported in the published literature in a region of the BRCA2 gene that is tolerant to missense sequence changes (PMID: 31911673 (2020)). To the best of our knowledge, this variant has not been reported in individuals with BRCA2-related disorders. This variant has not been reported in large, multi-ethnic general populations (Genome Aggregation Database). Analysis of this variant using bioinformatics tools for the prediction of the effect of amino acid changes on protein structure and function yielded predictions that this variant is benign. Based on the available information, we are unable to determine the clinical significance of this variant.

Labcorp Genetics (formerly Invitae), Labcorp
Classification: Uncertain significance for Hereditary breast ovarian cancer syndrome. Last evaluated: 2024-12-03. Review status: criteria provided, single submitter. Criteria: Invitae Variant Classification Sherloc (09022015). Collection method: clinical testing. Allele origin: germline.
Comment: This sequence change replaces serine, which is neutral and polar, with phenylalanine, which is neutral and non-polar, at codon 489 of the BRCA2 protein (p.Ser489Phe). This variant is not present in population databases (gnomAD no frequency). This variant has not been reported in the literature in individuals affected with BRCA2-related conditions. ClinVar contains an entry for this variant (Variation ID: 921377). Invitae Evidence Modeling of protein sequence and biophysical properties (such as structural, functional, and spatial information, amino acid conservation, physicochemical variation, residue mobility, and thermodynamic stability) indicates that this missense variant is not expected to disrupt BRCA2 protein function with a negative predictive value of 95%. In summary, the available evidence is currently insufficient to determine the role of this variant in disease. Therefore, it has been classified as a Variant of Uncertain Significance.

Ambry Genetics
Classification: Uncertain significance for Hereditary cancer-predisposing syndrome. Last evaluated: 2024-08-21. Review status: criteria provided, single submitter. Criteria: Ambry Variant Classification Scheme 2023. Collection method: clinical testing. Allele origin: germline.
Comment: The p.S489F variant (also known as c.1466C>T), located in coding exon 9 of the BRCA2 gene, results from a C to T substitution at nucleotide position 1466. The serine at codon 489 is replaced by phenylalanine, an amino acid with highly dissimilar properties. This amino acid position is not well conserved in available vertebrate species. In addition, this alteration is predicted to be tolerated by in silico analysis. Based on the available evidence, the clinical significance of this variant remains unclear.

GeneDx
Classification: Uncertain significance. Last evaluated: 2024-07-30. Review status: criteria provided, single submitter. Criteria: GeneDx Variant Classification Process June 2021. Collection method: clinical testing. Allele origin: germline. Affected: yes.
Comment: Not observed at significant frequency in large population cohorts (gnomAD); In silico analysis indicates that this missense variant does not alter protein structure/function; Has not been previously published as pathogenic or benign to our knowledge; Also known as 1694C>T; This variant is associated with the following publications: (PMID: 29884841, 32377563)

University of Washington Department of Laboratory Medicine, University of Washington
Classification: Likely benign for Hereditary cancer-predisposing syndrome. Last evaluated: 2023-03-23. Review status: criteria provided, single submitter. Criteria: Dines et al. (Genet Med. 2020). Collection method: curation. Allele origin: germline.
Comment: Missense variant in a coldspot region where missense variants are very unlikely to be pathogenic (PMID:31911673).

BRCA2 exon 10 coldspot. Reclassification based on statistical prior probability.

Color Diagnostics, LLC DBA Color Health
Classification: Uncertain significance for Hereditary cancer-predisposing syndrome. Last evaluated: 2021-05-20. Review status: criteria provided, single submitter. Criteria: ACMG Guidelines, 2015. Collection method: clinical testing. Allele origin: germline.
Comment: This missense variant replaces serine with phenylalanine at codon 489 of the BRCA2 protein. Computational prediction suggests that this variant may not impact protein structure and function (internally defined REVEL score threshold <= 0.5, PMID: 27666373). To our knowledge, functional studies have not been reported for this variant. This variant has not been reported in individuals affected with hereditary cancer in the literature. This variant has not been identified in the general population by the Genome Aggregation Database (gnomAD). The available evidence is insufficient to determine the role of this variant in disease conclusively. Therefore, this variant is classified as a Variant of Uncertain Significance.

Literature cited by the submitters: PubMed 31911673 (cited by Quest Diagnostics Nichols Institute San Juan Capistrano).